The following is an entry in ClinVar:

NM_007175.8(ERLIN2):c.385A>G (p.Ser129Gly)

Gene: ERLIN2 (ER lipid raft associated 2; plus strand). Cytogenetic location: 8p11.23.
Variant type: single nucleotide variant.
Coding change: c.385A>G on transcript NM_007175.8 (MANE Select); coding-DNA position 385, A replaced by G.
Protein change: p.Ser129Gly; replaces serine 129 with glycine.
Molecular consequence: missense variant.
Genome position (GRCh38, 1-based): chr8:37,744,657, A>G. VCF-style: chr8-37744657-A-G. GRCh37 (hg19) VCF-style: chr8-37602175-A-G.
Other names: c.385A>G, p.Ser129Gly (NM_001003790.4, NM_001003791.3, NM_001362878.2 and 1 more transcripts); short protein forms S129G.
Identifiers: ClinVar variation 937644 (VCV000937644.7), dbSNP rs1802975180, ClinGen allele CA370652747.

ClinVar aggregate classification (germline): Uncertain significance. Review status: criteria provided, multiple submitters, no conflicts (2 of 4 stars). 2 submissions from 2 submitters: Uncertain significance (2). Last evaluated 2025-01-16.

Conditions:
Spastic paraparesis. Identifiers: MedGen C0037771, HP:0002313.
Spastic paraplegia. Identifiers: MedGen C0037772, HP:0001258.

Submissions (2):

Clinical Genetics Laboratory, Skane University Hospital Lund
Classification: Uncertain significance for Spastic paraparesis. Last evaluated: 2025-01-16. Review status: criteria provided, single submitter. Criteria: ACMG Guidelines, 2015. Collection method: clinical testing. Allele origin: germline. Affected: yes.
Comment: ACMG criteria used: PM2, PM5 (PMID: 29528531), PP3

Labcorp Genetics (formerly Invitae), Labcorp
Classification: Uncertain significance for Spastic paraplegia. Last evaluated: 2021-09-15. Review status: criteria provided, single submitter. Criteria: Invitae Variant Classification Sherloc (09022015). Collection method: clinical testing. Allele origin: germline.
Comment: This variant is not present in population databases (ExAC no frequency). This sequence change replaces serine with glycine at codon 129 of the ERLIN2 protein (p.Ser129Gly). The serine residue is highly conserved and there is a small physicochemical difference between serine and glycine. This variant has not been reported in the literature in individuals affected with ERLIN2-related conditions. In summary, the available evidence is currently insufficient to determine the role of this variant in disease. Therefore, it has been classified as a Variant of Uncertain Significance. Algorithms developed to predict the effect of missense changes on protein structure and function (SIFT, PolyPhen-2, Align-GVGD) all suggest that this variant is likely to be disruptive.